The following is an entry in ClinVar:

NM_000387.6(SLC25A20):c.449C>T (p.Thr150Ile)

Gene: SLC25A20 (solute carrier family 25 member 20; minus strand). Cytogenetic location: 3p21.31.
Variant type: single nucleotide variant.
Coding change: c.449C>T on transcript NM_000387.6 (MANE Select); coding-DNA position 449, C replaced by T.
Protein change: p.Thr150Ile; replaces threonine 150 with isoleucine.
Molecular consequence: missense variant.
Genome position (GRCh38, 1-based): chr3:48,862,628, G>A on the plus strand (C>T on the coding strand, the complement: SLC25A20 is on the minus strand). VCF-style: chr3-48862628-G-A. GRCh37 (hg19) VCF-style: chr3-48900061-G-A.
Other names: short protein forms T150I.
Identifiers: ClinVar variation 1921647 (VCV001921647.3), dbSNP rs2083636395, ClinGen allele CA352628526.

ClinVar aggregate classification (germline): Uncertain significance (1 of 4 stars; one submission).

Conditions:
Carnitine acylcarnitine translocase deficiency (CACTD). Identifiers: Orphanet 159, MedGen C0342791, MONDO:0008918, OMIM 212138.

Allele frequency attached by ClinVar (database versions not stated): gnomAD 0.00001; TOPMed 0.00001.

Submission:

Labcorp Genetics (formerly Invitae), Labcorp
Classification: Uncertain significance for Carnitine acylcarnitine translocase deficiency. Last evaluated: 2023-08-04. Review status: criteria provided, single submitter. Criteria: Invitae Variant Classification Sherloc (09022015). Collection method: clinical testing. Allele origin: germline.
Comment: This variant has not been reported in the literature in individuals affected with SLC25A20-related conditions. ClinVar contains an entry for this variant (Variation ID: 1921647). Advanced modeling of protein sequence and biophysical properties (such as structural, functional, and spatial information, amino acid conservation, physicochemical variation, residue mobility, and thermodynamic stability) performed at Invitae indicates that this missense variant is not expected to disrupt SLC25A20 protein function. In summary, the available evidence is currently insufficient to determine the role of this variant in disease. Therefore, it has been classified as a Variant of Uncertain Significance. This variant is not present in population databases (gnomAD no frequency). This sequence change replaces threonine, which is neutral and polar, with isoleucine, which is neutral and non-polar, at codon 150 of the SLC25A20 protein (p.Thr150Ile).